The following is an entry in ClinVar:

ClinVar aggregate classification (germline): Uncertain significance. Review status: criteria provided, multiple submitters, no conflicts (2 of 4 stars). 2 submissions from 2 submitters: Uncertain significance (2). Last evaluated 2024-10-15.

Conditions:
Hereditary cancer-predisposing syndrome. Also called: Neoplastic Syndromes, Hereditary; Tumor predisposition; Hereditary Cancer Syndrome; Hereditary neoplastic syndrome. Identifiers: Orphanet 140162, MedGen C0027672, MeSH D009386, MONDO:0015356.
Hereditary nonpolyposis colorectal neoplasms. Identifiers: MedGen C0009405, MeSH D003123.

Submissions (2):

Ambry Genetics
Classification: Uncertain significance for Hereditary cancer-predisposing syndrome. Last evaluated: 2024-10-15. Review status: criteria provided, single submitter. Criteria: Ambry Variant Classification Scheme 2023. Collection method: clinical testing. Allele origin: germline.
Comment: The p.A12D variant (also known as c.35C>A), located in coding exon 2 of the PMS2 gene, results from a C to A substitution at nucleotide position 35. The alanine at codon 12 is replaced by aspartic acid, an amino acid with dissimilar properties. This amino acid position is well conserved in available vertebrate species. In addition, this alteration is predicted to be deleterious by in silico analysis. Based on the available evidence, the clinical significance of this variant remains unclear.

Labcorp Genetics (formerly Invitae), Labcorp
Classification: Uncertain significance for Hereditary nonpolyposis colorectal neoplasms. Last evaluated: 2023-04-28. Review status: criteria provided, single submitter. Criteria: Invitae Variant Classification Sherloc (09022015). Collection method: clinical testing. Allele origin: germline.
Comment: This sequence change replaces alanine, which is neutral and non-polar, with aspartic acid, which is acidic and polar, at codon 12 of the PMS2 protein (p.Ala12Asp). This variant is not present in population databases (gnomAD no frequency). This variant has not been reported in the literature in individuals affected with PMS2-related conditions. Advanced modeling of protein sequence and biophysical properties (such as structural, functional, and spatial information, amino acid conservation, physicochemical variation, residue mobility, and thermodynamic stability) performed at Invitae indicates that this missense variant is not expected to disrupt PMS2 protein function. In summary, the available evidence is currently insufficient to determine the role of this variant in disease. Therefore, it has been classified as a Variant of Uncertain Significance.

NM_000535.7(PMS2):c.35C>A (p.Ala12Asp)

Gene: PMS2 (PMS1 homolog 2, mismatch repair system component; minus strand). Cytogenetic location: 7p22.1.
Variant type: single nucleotide variant.
Coding change: c.35C>A on transcript NM_000535.7 (MANE Select); coding-DNA position 35, C replaced by A.
Protein change: p.Ala12Asp; replaces alanine 12 with aspartic acid.
Molecular consequence: missense variant. On other transcripts: intron variant (7), 5 prime UTR variant (38), non-coding transcript variant (1).
Genome position (GRCh38, 1-based): chr7:6,006,020, G>T on the plus strand (C>A on the coding strand, the complement: PMS2 is on the minus strand). VCF-style: chr7-6006020-G-T. GRCh37 (hg19) VCF-style: chr7-6045651-G-T.
Other names: c.-242-1962C>A (NM_001322004.2, NM_001406911.1, NM_001322010.2); c.-321-1962C>A (NM_001406879.1); c.-371C>A (NM_001018040.1, NM_001322003.2, NM_001322005.2 and 11 more transcripts); c.35C>A, p.Ala12Asp (NM_001322006.2, NM_001322014.2, NM_001406868.1 and 10 more transcripts); c.-181C>A (NM_001322007.2, NM_001406876.1, NM_001406883.1 and 4 more transcripts); c.-850C>A (NM_001322011.2, NM_001322012.2); c.-450C>A (NM_001322015.2, NM_001406875.1, NM_001406877.1 and 2 more transcripts); c.221C>A, p.Ala74Asp (NM_001406866.1); and 7 more; short protein forms A74D, A12D.
Identifiers: ClinVar variation 2820887 (VCV002820887.4), dbSNP rs1562702377, ClinGen allele CA366745181.